The following is an entry in ClinVar:

NM_000642.3(AGL):c.2236G>A (p.Val746Ile)

Gene: AGL (amylo-alpha-1,6-glucosidase and 4-alpha-glucanotransferase; plus strand). Cytogenetic location: 1p21.2.
Variant type: single nucleotide variant.
Coding change: c.2236G>A on transcript NM_000642.3 (MANE Select); coding-DNA position 2236, G replaced by A.
Protein change: p.Val746Ile; replaces valine 746 with isoleucine.
Molecular consequence: missense variant.
Genome position (GRCh38, 1-based): chr1:99,881,619, G>A. VCF-style: chr1-99881619-G-A. GRCh37 (hg19) VCF-style: chr1-100347175-G-A.
Other names: c.2236G>A, p.Val746Ile (NM_000028.3, NM_000643.3, NM_000644.3 and 2 more transcripts); c.2188G>A, p.Val730Ile (NM_000646.3); c.2035G>A, p.Val679Ile (NM_001425327.1); c.2032G>A, p.Val678Ile (NM_001425328.1, NM_001425329.1); c.1858G>A, p.Val620Ile (NM_001425332.1); short protein forms V730I, V746I, V620I, V678I, V679I.
Identifiers: ClinVar variation 1464245 (VCV001464245.4), dbSNP rs1652038002, ClinGen allele CA341319908.
Genomic context (GRCh38, chr1:99,881,619, plus strand): 5'-GATGAAGACATAGTGGCAGTAACAAGACACTCACCTAGCATCCATCAGTCTGTTGTGGCT[G>A]TATCTAGAACTGCTTTCAGGAATCCCAAGACTTCATTTTACAGCAAGGAAGTGCCTCAAA-3'
Protein context (NP_000633.2, residues 736-756): SPSIHQSVVA[Val746Ile]SRTAFRNPKT

ClinVar aggregate classification (germline): Uncertain significance (1 of 4 stars; one submission).

Conditions:
Glycogen storage disease type III (GSD3). Also called: Cori disease; FORBES DISEASE. Identifiers: Orphanet 366, MedGen C0017922, MONDO:0009291, OMIM 232400.

Submission:

Labcorp Genetics (formerly Invitae), Labcorp
Classification: Uncertain significance for Glycogen storage disease type III. Last evaluated: 2021-11-15. Review status: criteria provided, single submitter. Criteria: Invitae Variant Classification Sherloc (09022015). Collection method: clinical testing. Allele origin: germline.
Comment: Algorithms developed to predict the effect of missense changes on protein structure and function are either unavailable or do not agree on the potential impact of this missense change (SIFT: "Tolerated"; PolyPhen-2: "Possibly Damaging"; Align-GVGD: "Class C0"). This variant has not been reported in the literature in individuals affected with AGL-related conditions. This variant is not present in population databases (gnomAD no frequency). This sequence change replaces valine, which is neutral and non-polar, with isoleucine, which is neutral and non-polar, at codon 746 of the AGL protein (p.Val746Ile). In summary, the available evidence is currently insufficient to determine the role of this variant in disease. Therefore, it has been classified as a Variant of Uncertain Significance.